The following is an entry in ClinVar:

ClinVar aggregate classification (germline): Uncertain significance. Review status: criteria provided, multiple submitters, no conflicts (2 of 4 stars). 2 submissions from 2 submitters: Uncertain significance (2). Last evaluated 2024-10-10.

Conditions:
Familial juvenile hyperuricemic nephropathy type 1 (ADTKD1). Also called: UMOD-Associated Kidney Disease; Uromodulin-associated kidney disease; Autosomal Dominant Tubulointerstitial Kidney Disease – UMOD; Glomerulocystic kidney disease with hyperuricemia and isosthenuria; Medullary cystic kidney disease 2. Identifiers: Orphanet 209886, Orphanet 34149, Orphanet 88950, MedGen C4551496, MONDO:0008073, OMIM 162000.
Inborn genetic diseases. Identifiers: MedGen C0950123, MeSH D030342.

Submissions (2):

Ambry Genetics
Classification: Uncertain significance for Inborn genetic diseases. Last evaluated: 2024-10-10. Review status: criteria provided, single submitter. Criteria: Ambry Variant Classification Scheme 2023. Collection method: clinical testing. Allele origin: germline.

Juno Genomics, Hangzhou Juno Genomics, Inc
Classification: Uncertain significance for Familial juvenile hyperuricemic nephropathy type 1. Review status: criteria provided, single submitter. Criteria: ACMG Guidelines, 2015. Collection method: clinical testing. Allele origin: germline. Affected: yes.
Comment: Absent from controls (or at extremely low frequency if recessive) in Genome Aggregation Database, Exome Sequencing Project, 1000 Genomes Project, or Exome Aggregation Consortium.;Multiple lines of computational evidence support a deleterious effect on the gene or gene product (conservation, evolutionary, splicing impact, etc).;Patient's phenotype or family history is highly specific for a disease with a single genetic etiology.

Literature cited by the submitters: PubMed 30376835 (cited by Ambry Genetics); PubMed 32954071 (cited by Ambry Genetics).

NM_003361.4(UMOD):c.917G>A (p.Cys306Tyr)

Gene: UMOD (uromodulin; minus strand). Cytogenetic location: 16p12.3.
Variant type: single nucleotide variant.
Coding change: c.917G>A on transcript NM_003361.4 (MANE Select); coding-DNA position 917, G replaced by A.
Protein change: p.Cys306Tyr; replaces cysteine 306 with tyrosine.
Molecular consequence: missense variant. On other transcripts: non-coding transcript variant (1).
Genome position (GRCh38, 1-based): chr16:20,348,279, C>T on the plus strand (G>A on the coding strand, the complement: UMOD is on the minus strand). VCF-style: chr16-20348279-C-T. GRCh37 (hg19) VCF-style: chr16-20359601-C-T.
Other names: c.917G>A (NM_003361.2); c.917G>A, p.Cys306Tyr (NM_001008389.3, NM_001378232.1, NM_001378233.1 and 3 more transcripts); c.1016G>A, p.Cys339Tyr (NM_001278614.2); short protein forms C306Y, C339Y.
Identifiers: ClinVar variation 3382265 (VCV003382265.3).